The following is an entry in ClinVar:

ClinVar aggregate classification (germline): Uncertain significance (1 of 4 stars; one submission).

Conditions:
Charcot-Marie-Tooth disease type 2R. Also called: CHARCOT-MARIE-TOOTH NEUROPATHY, TYPE 2R; CHARCOT-MARIE-TOOTH DISEASE, AXONAL, AUTOSOMAL RECESSIVE, TYPE 2R; Charcot-Marie-Tooth disease, axonal, type 2R. Identifiers: Orphanet 397968, MedGen C3809655, MONDO:0014208, OMIM 615490.

Allele frequency attached by ClinVar (database versions not stated): gnomAD exomes 0.00001; gnomAD 0.00004 and 0.00014; TOPMed 0.00019.
gnomAD v4.1: 37 of 1,608,180 alleles (0.0023%); highest among the groups gnomAD compares: Middle Eastern, 0.066%; no homozygotes.

Submission:

Labcorp Genetics (formerly Invitae), Labcorp
Classification: Uncertain significance for Charcot-Marie-Tooth disease type 2R. Last evaluated: 2025-03-19. Review status: criteria provided, single submitter. Criteria: Invitae Variant Classification Sherloc (09022015). Collection method: clinical testing. Allele origin: germline.
Comment: This sequence change replaces glutamic acid, which is acidic and polar, with glycine, which is neutral and non-polar, at codon 127 of the TRIM2 protein (p.Glu127Gly). This variant is present in population databases (no rsID available, gnomAD 0.002%). This variant has not been reported in the literature in individuals affected with TRIM2-related conditions. ClinVar contains an entry for this variant (Variation ID: 945097). An algorithm developed to predict the effect of missense changes on protein structure and function (PolyPhen-2) suggests that this variant is likely to be tolerated. In summary, the available evidence is currently insufficient to determine the role of this variant in disease. Therefore, it has been classified as a Variant of Uncertain Significance.

NM_015271.5(TRIM2):c.461A>G (p.Glu154Gly)

Gene: TRIM2 (tripartite motif containing 2; plus strand). Cytogenetic location: 4q31.3.
Variant type: single nucleotide variant.
Coding change: c.461A>G on transcript NM_015271.5 (MANE Select); coding-DNA position 461, A replaced by G.
Protein change: p.Glu154Gly; replaces glutamic acid 154 with glycine.
Molecular consequence: missense variant. On other transcripts: intron variant (2).
Genome position (GRCh38, 1-based): chr4:153,292,989, A>G. VCF-style: chr4-153292989-A-G. GRCh37 (hg19) VCF-style: chr4-154214141-A-G.
Other names: c.380A>G, p.Glu127Gly (NM_001351056.2, NM_001375512.1, NM_001375513.1 and 5 more transcripts); c.5A>G, p.Glu2Gly (NM_001351057.2); c.554A>G, p.Glu185Gly (NM_001375488.1); c.551A>G, p.Glu184Gly (NM_001375489.1); c.461A>G, p.Glu154Gly (NM_001375490.1); c.458A>G, p.Glu153Gly (NM_001375491.1); c.434A>G, p.Glu145Gly (NM_001351054.2); c.122A>G, p.Glu41Gly (NM_001375522.1, NM_001375523.1, NM_001375525.1); and 3 more; short protein forms E127G, E144G, E154G, E185G, E153G, E145G, E2G, E184G.
Identifiers: ClinVar variation 945097 (VCV000945097.7), dbSNP rs959109286, ClinGen allele CA107914139.